The following is an entry in ClinVar:

NM_016373.4(WWOX):c.435C>A (p.Ala145=)

Gene: WWOX (WW domain containing oxidoreductase; plus strand). Cytogenetic location: 16q23.1.
Variant type: single nucleotide variant.
Coding change: c.435C>A on transcript NM_016373.4 (MANE Select); coding-DNA position 435, C replaced by A.
Protein change: p.Ala145=; no amino-acid change (alanine 145 retained).
Molecular consequence: synonymous variant. On other transcripts: non-coding transcript variant (1).
Genome position (GRCh38, 1-based): chr16:78,164,208, C>A. VCF-style: chr16-78164208-C-A. GRCh37 (hg19) VCF-style: chr16-78198105-C-A.
Other names: c.96C>A, p.Ala32= (NM_001291997.2); c.435C>A, p.Ala145= (NM_130791.5).
Identifiers: ClinVar variation 3342142 (VCV003342142.16).

ClinVar aggregate classification (germline): Uncertain significance (1 of 4 stars; one submission).

Submission:

CeGaT Center for Human Genetics Tuebingen
Classification: Uncertain significance. Last evaluated: 2024-08-01. Review status: criteria provided, single submitter. Criteria: CeGaT Center For Human Genetics Tuebingen Variant Classification Criteria Version 2. Collection method: clinical testing. Allele origin: germline. Affected: yes. Observed: 1 variant allele.
Comment: WWOX: PM2:Supporting, BP4